The following is an entry in ClinVar:

ClinVar aggregate classification (germline): Uncertain significance. Review status: criteria provided, multiple submitters, no conflicts (2 of 4 stars). 2 submissions from 2 submitters: Uncertain significance (2). Last evaluated 2024-05-02.

Conditions:
Peroxisome biogenesis disorder 3A (Zellweger). Also called: PEROXISOMAL BIOGENESIS DISORDER 3A (ZELLWEGER); Peroxisome biogenesis disorder 3A. Identifiers: Orphanet 912, MedGen C3553929, MONDO:0013927, OMIM 614859.

Allele frequency attached by ClinVar (database versions not stated): gnomAD 0.00001; TOPMed 0.00001.

Submissions (2):

Blueprint Genetics
Classification: Uncertain significance. Last evaluated: 2024-05-02. Review status: criteria provided, single submitter. Criteria: ACMG Guidelines, 2015. Collection method: clinical testing. Allele origin: germline.

Labcorp Genetics (formerly Invitae), Labcorp
Classification: Uncertain significance for Peroxisome biogenesis disorder 3A (Zellweger). Last evaluated: 2021-08-30. Review status: criteria provided, single submitter. Criteria: Invitae Variant Classification Sherloc (09022015). Collection method: clinical testing. Allele origin: germline.
Comment: This sequence change replaces serine with arginine at codon 79 of the PEX12 protein (p.Ser79Arg). The serine residue is moderately conserved and there is a moderate physicochemical difference between serine and arginine. This variant is present in population databases (rs773576922, ExAC 0.002%). This variant has not been reported in the literature in individuals affected with PEX12-related conditions. Algorithms developed to predict the effect of missense changes on protein structure and function are either unavailable or do not agree on the potential impact of this missense change (SIFT: "Tolerated"; PolyPhen-2: "Probably Damaging"; Align-GVGD: "Class C0"). In summary, the available evidence is currently insufficient to determine the role of this variant in disease. Therefore, it has been classified as a Variant of Uncertain Significance.

NM_000286.3(PEX12):c.237T>A (p.Ser79Arg)

Gene: PEX12 (peroxisomal biogenesis factor 12; minus strand). Cytogenetic location: 17q12.
Variant type: single nucleotide variant.
Coding change: c.237T>A on transcript NM_000286.3 (MANE Select); coding-DNA position 237, T replaced by A.
Protein change: p.Ser79Arg; replaces serine 79 with arginine.
Molecular consequence: missense variant.
Genome position (GRCh38, 1-based): chr17:35,577,481, A>T on the plus strand (T>A on the coding strand, the complement: PEX12 is on the minus strand). VCF-style: chr17-35577481-A-T. GRCh37 (hg19) VCF-style: chr17-33904500-A-T.
Other names: short protein forms S79R.
Identifiers: ClinVar variation 951472 (VCV000951472.4), dbSNP rs773576922, ClinGen allele CA8504938.
Genomic context (GRCh38, chr17:35,577,481, plus strand): 5'-CTTGTGAGTGTCCCCCATTACAATTCTCTTTAAGCCGTAAAAGTTTTCAGAAAATGAGGC[A>T]CTGGTTCTAGACAGATAATGTTGCTGGAGCAGAAGATCTAGCAGAGTAAAGATTTCATCA-3'
Protein context (NP_000277.1, residues 69-89): LLQQHYLSRT[Ser79Arg]ASFSENFYGL